The following is an entry in ClinVar:

ClinVar aggregate classification (germline): Conflicting classifications of pathogenicity. Review status: criteria provided, conflicting classifications (1 of 4 stars). 3 submissions from 3 submitters: Uncertain significance (2); Benign (1). Last evaluated 2025-10-01.

Conditions:
Rhabdoid tumor predisposition syndrome 1 (RTPS1). Also called: Familial Posterior Fossa Brain Tumor of Infancy. Identifiers: Orphanet 231108, Orphanet 69077, MedGen C1836327, MONDO:0012252, OMIM 609322.
Hereditary cancer-predisposing syndrome. Also called: Hereditary neoplastic syndrome; Neoplastic Syndromes, Hereditary; Tumor predisposition; Hereditary Cancer Syndrome. Identifiers: Orphanet 140162, MedGen C0027672, MeSH D009386, MONDO:0015356.

Submissions (3):

Labcorp Genetics (formerly Invitae), Labcorp
Classification: Uncertain significance. Last evaluated: 2025-10-01. Review status: criteria provided, single submitter. Criteria: Invitae Variant Classification Sherloc (09022015). Collection method: clinical testing. Allele origin: germline.
Comment: This variant, c.10_12del, results in the deletion of 1 amino acid(s) of the SMARCB1 protein (p.Met4del), but otherwise preserves the integrity of the reading frame. The frequency data for this variant in the population databases is considered unreliable, as metrics indicate poor data quality at this position in the gnomAD database. This variant has not been reported in the literature in individuals affected with SMARCB1-related conditions. ClinVar contains an entry for this variant (Variation ID: 532969). Experimental studies and prediction algorithms are not available or were not evaluated, and the functional significance of this variant is currently unknown. In summary, the available evidence is currently insufficient to determine the role of this variant in disease. Therefore, it has been classified as a Variant of Uncertain Significance.

Ambry Genetics
Classification: Benign for Hereditary cancer-predisposing syndrome. Last evaluated: 2024-10-03. Review status: criteria provided, single submitter. Criteria: Ambry Variant Classification Scheme 2023. Collection method: clinical testing. Allele origin: germline.

Baylor Genetics
Classification: Uncertain significance for Rhabdoid tumor predisposition syndrome 1. Last evaluated: 2023-05-10. Review status: criteria provided, single submitter. Criteria: ACMG Guidelines, 2015. Collection method: clinical testing. Allele origin: unknown.

NM_003073.5(SMARCB1):c.1ATG[3] (p.Met4del)

Gene: SMARCB1 (SWI/SNF related BAF chromatin remodeling complex subunit B1; plus strand). Cytogenetic location: 22q11.23.
Variant type: Microsatellite.
Coding change: c.1ATG[3] on transcript NM_003073.5 (MANE Select); three copies in a row of the 3-base unit ATG starting at c.1; the reference has four copies in a row; one copy, 3 bases deleted; also written c.10_12del.
Protein change: p.Met4del; deletes methionine 4.
Molecular consequence: inframe deletion, initiator codon variant.
Genome position (GRCh38, 1-based): chr22:23,787,179-23,787,181, ATG deleted; deleting any 3 consecutive bases within chr22:23,787,170-23,787,181 gives the same sequence; the position shown is the placement nearest the transcript's 3' end. VCF-style (leftmost placement, unchanged base first): chr22-23787169-AATG-A. GRCh37 (hg19) VCF-style: chr22-24129356-AATG-A.
Other names: c.1ATG[3], p.Met4del (NM_001007468.3, NM_001317946.2, NM_001362877.2); c.10_12del (NM_003073.3, NM_003073.5); short protein forms M4del.
Identifiers: ClinVar variation 532969 (VCV000532969.13), dbSNP rs769579890, ClinGen allele CA10145812.